The following is an entry in ClinVar:

ClinVar aggregate classification (germline): Pathogenic (1 of 4 stars; one submission).

Conditions:
Hereditary breast ovarian cancer syndrome. Also called: Hereditary breast and ovarian cancer; Hereditary breast and ovarian cancer syndrome; BRCA1- and BRCA2-Associated Hereditary Breast and Ovarian Cancer; Hereditary breast and ovarian cancer syndrome (HBOC); Breast and ovarian cancer; Hereditary breast and/or ovarian cancer syndrome. Identifiers: Orphanet 145, MedGen C0677776, MeSH D061325, MONDO:0003582. Disease mechanism: loss of function.

Submission:

Labcorp Genetics (formerly Invitae), Labcorp
Classification: Pathogenic for Hereditary breast ovarian cancer syndrome. Last evaluated: 2018-08-02. Review status: criteria provided, single submitter. Criteria: Invitae Variant Classification Sherloc (09022015). Collection method: clinical testing. Allele origin: germline.
Comment: This variant is not present in population databases (ExAC no frequency). For these reasons, this variant has been classified as Pathogenic. Loss-of-function variants in BRCA2 are known to be pathogenic (PMID: 20104584). This variant has not been reported in the literature in individuals with BRCA2-related disease. This sequence change creates a premature translational stop signal (p.Ser1650Ilefs*20) in the BRCA2 gene. It is expected to result in an absent or disrupted protein product.

Literature cited by the submitters: PubMed 20104584.

NM_000059.4(BRCA2):c.4949del (p.Ser1650fs)

Gene: BRCA2 (BRCA2 DNA repair associated; plus strand). Cytogenetic location: 13q13.1.
Variant type: Deletion.
Coding change: c.4949del on transcript NM_000059.4 (MANE Select); coding-DNA position 4949, one base deleted (G; older notation c.4949delG).
Protein change: p.Ser1650fs; shifts the reading frame from serine 1650.
Molecular consequence: frameshift variant.
Genome position (GRCh38, 1-based): chr13:32,339,304, G deleted. VCF-style (leftmost placement, unchanged base first): chr13-32339303-AG-A. GRCh37 (hg19) VCF-style: chr13-32913440-AG-A.
Other names: c.4949delG (NM_000059.3); short protein forms S1650fs.
Identifiers: ClinVar variation 647343 (VCV000647343.7), dbSNP rs1593903909, ClinGen allele CA915948477.